The following is an entry in ClinVar:

ClinVar aggregate classification (germline): Uncertain significance (1 of 4 stars; one submission).

Conditions:
Dyskeratosis congenita. Identifiers: Orphanet 1775, MedGen C0265965, MONDO:0015780.

Submission:

Ambry Genetics
Classification: Uncertain significance for Dyskeratosis congenita. Last evaluated: 2025-01-20. Review status: criteria provided, single submitter. Criteria: Ambry Variant Classification Scheme 2023. Collection method: clinical testing. Allele origin: germline.
Comment: The p.T566P variant (also known as c.1696A>C), located in coding exon 3 of the TERT gene, results from an A to C substitution at nucleotide position 1696. The threonine at codon 566 is replaced by proline, an amino acid with highly similar properties. This amino acid position is conserved. In addition, this alteration is predicted to be deleterious by in silico analysis. Based on the available evidence, the clinical significance of this variant remains unclear.

NM_198253.3(TERT):c.1696A>C (p.Thr566Pro)

Gene: TERT (telomerase reverse transcriptase; minus strand). Cytogenetic location: 5p15.33.
Variant type: single nucleotide variant.
Coding change: c.1696A>C on transcript NM_198253.3 (MANE Select); coding-DNA position 1696, A replaced by C.
Protein change: p.Thr566Pro; replaces threonine 566 with proline.
Molecular consequence: missense variant. On other transcripts: non-coding transcript variant (2).
Genome position (GRCh38, 1-based): chr5:1,282,502, T>G on the plus strand (A>C on the coding strand, the complement: TERT is on the minus strand). VCF-style: chr5-1282502-T-G. GRCh37 (hg19) VCF-style: chr5-1282617-T-G.
Other names: c.1696A>C, p.Thr566Pro (NM_001193376.3); short protein forms T566P.
Identifiers: ClinVar variation 3805773 (VCV003805773.1).
Genomic context (GRCh38, chr5:1,282,502, plus strand): 5'-TTTGCAACTTGCTCCAGACACTCTTCCGGTAGAAAAAGAGCCTGTTCTTTTGAAACGTGG[T>G]CTCCGTGACATAAAAGAAAGACCTGAGCAGCTCGACGACGTACACACTCATCAGCCAGTG-3'
Protein context (NP_937983.2, residues 556-576): LLRSFFYVTE[Thr566Pro]TFQKNRLFFY